The following is an entry in ClinVar:

ClinVar aggregate classification (germline): Pathogenic. Review status: criteria provided, multiple submitters, no conflicts (2 of 4 stars). 2 submissions from 2 submitters: Pathogenic (2). Last evaluated 2020-10-23.

Conditions:
Ehlers-Danlos syndrome, classic type, 1 (EDSCL1). Also called: Ehlers-Danlos Syndrome, Classic Type, COL5A1-Related; EDS I; Ehlers-Danlos syndrome, type 1; EHLERS-DANLOS SYNDROME, GRAVIS TYPE; EHLERS-DANLOS SYNDROME, SEVERE CLASSIC TYPE. Identifiers: MedGen C0268335, MONDO:0019567, OMIM 130000.

Submissions (2):

Institute of Medical Genetics and Applied Genomics, University Hospital Tübingen
Classification: Pathogenic. Last evaluated: 2020-10-23. Review status: criteria provided, single submitter. Criteria: ACMG Guidelines, 2015. Collection method: clinical testing. Allele origin: germline. Inheritance: Unknown mechanism. Affected: yes.

Labcorp Genetics (formerly Invitae), Labcorp
Classification: Pathogenic for Ehlers-Danlos syndrome, classic type, 1. Last evaluated: 2018-07-15. Review status: criteria provided, single submitter. Criteria: Invitae Variant Classification Sherloc (09022015). Collection method: clinical testing. Allele origin: germline.
Comment: This sequence change creates a premature translational stop signal (p.Lys455Argfs*103) in the COL5A1 gene. It is expected to result in an absent or disrupted protein product. This variant is not present in population databases (ExAC no frequency). This variant has not been reported in the literature in individuals with COL5A1-related disease. Loss-of-function variants in COL5A1 are known to be pathogenic (PMID: 23587214). For these reasons, this variant has been classified as Pathogenic.

Literature cited by the submitters: PubMed 23587214 (cited by Labcorp Genetics (formerly Invitae), Labcorp).

NM_000093.5(COL5A1):c.1364del (p.Lys455fs)

Gene: COL5A1 (collagen type V alpha 1 chain; plus strand). Cytogenetic location: 9q34.3.
Variant type: Deletion.
Coding change: c.1364del on transcript NM_000093.5 (MANE Select); coding-DNA position 1364, one base deleted (A; older notation c.1364delA).
Protein change: p.Lys455fs; shifts the reading frame from lysine 455.
Molecular consequence: frameshift variant.
Genome position (GRCh38, 1-based): chr9:134,732,102, A deleted; the last of 4 consecutive A bases (chr9:134,732,099-134,732,102); deleting any one gives the same sequence. VCF-style (leftmost placement, unchanged base first): chr9-134732098-CA-C. GRCh37 (hg19) VCF-style: chr9-137623944-CA-C.
Other names: c.1364delA (NM_000093.4); c.1364del, p.Lys455fs (NM_001278074.1); short protein forms K455fs.
Identifiers: ClinVar variation 580851 (VCV000580851.11), dbSNP rs1564418237, ClinGen allele CA891842750.